The following is an entry in ClinVar:

NM_005918.4(MDH2):c.872C>T (p.Pro291Leu)

Gene: MDH2 (malate dehydrogenase 2; plus strand). Cytogenetic location: 7q11.23.
Variant type: single nucleotide variant.
Coding change: c.872C>T on transcript NM_005918.4 (MANE Select); coding-DNA position 872, C replaced by T.
Protein change: p.Pro291Leu; replaces proline 291 with leucine.
Molecular consequence: missense variant.
Genome position (GRCh38, 1-based): chr7:76,064,940, C>T. VCF-style: chr7-76064940-C-T. GRCh37 (hg19) VCF-style: chr7-75694258-C-T.
Other names: c.746C>T, p.Pro249Leu (NM_001282403.2); c.551C>T, p.Pro184Leu (NM_001282404.2); short protein forms P291L, P184L, P249L.
Identifiers: ClinVar variation 1764468 (VCV001764468.7), dbSNP rs1554587656, ClinGen allele CA367768859.
Genomic context (GRCh38, chr7:76,064,940, plus strand): 5'-GTGTTGTGGAATGTTCCTTCGTTAAGTCACAGGAAACGGAATGTACCTACTTCTCCACAC[C>T]GCTGCTGCTTGGGGTACGTATCCAGGCGTGGGTCCTTCTGACTGTGGAATAAGGGGGCGT-3'
Protein context (NP_005909.2, residues 281-301): QETECTYFST[Pro291Leu]LLLGKKGIEK

ClinVar aggregate classification (germline): Uncertain significance. Review status: criteria provided, multiple submitters, no conflicts (2 of 4 stars). 2 submissions from 2 submitters: Uncertain significance (2). Last evaluated 2025-03-28.

Conditions:
Inborn genetic diseases. Identifiers: MedGen C0950123, MeSH D030342.

Allele frequency attached by ClinVar (database versions not stated): TOPMed below 0.00001.
gnomAD v4.1: 9 of 1,614,136 alleles (0.00056%); highest among the groups gnomAD compares: Admixed American, 0.005%; no homozygotes.

Submissions (2):

Ambry Genetics
Classification: Uncertain significance for Inborn genetic diseases. Last evaluated: 2025-03-28. Review status: criteria provided, single submitter. Criteria: Ambry Variant Classification Scheme 2023. Collection method: clinical testing. Allele origin: germline.

Labcorp Genetics (formerly Invitae), Labcorp
Classification: Uncertain significance. Last evaluated: 2022-08-12. Review status: criteria provided, single submitter. Criteria: Invitae Variant Classification Sherloc (09022015). Collection method: clinical testing. Allele origin: germline.
Comment: In summary, the available evidence is currently insufficient to determine the role of this variant in disease. Therefore, it has been classified as a Variant of Uncertain Significance. Algorithms developed to predict the effect of missense changes on protein structure and function (SIFT, PolyPhen-2, Align-GVGD) all suggest that this variant is likely to be disruptive. This variant has not been reported in the literature in individuals affected with MDH2-related conditions. This variant is present in population databases (no rsID available, gnomAD 0.006%). This sequence change replaces proline, which is neutral and non-polar, with leucine, which is neutral and non-polar, at codon 291 of the MDH2 protein (p.Pro291Leu).